The following is an entry in ClinVar:

NM_007055.4(POLR3A):c.*345A>C

Gene: POLR3A (RNA polymerase III subunit A; minus strand). Cytogenetic location: 10q22.3.
Variant type: single nucleotide variant.
Coding change: c.*345A>C on transcript NM_007055.4 (MANE Select); 345 bases downstream of the stop codon, A replaced by C.
Molecular consequence: 3 prime UTR variant.
Genome position (GRCh38, 1-based): chr10:77,977,133, T>G on the plus strand (A>C on the coding strand, the complement: POLR3A is on the minus strand). VCF-style: chr10-77977133-T-G. GRCh37 (hg19) VCF-style: chr10-79736891-T-G.
Identifiers: ClinVar variation 301027 (VCV000301027.5), dbSNP rs74538796, ClinGen allele CA10632393.

ClinVar aggregate classification (germline): Benign (1 of 4 stars; one submission).

Conditions:
Leukodystrophy, hypomyelinating, 7, with or without oligodontia and/or hypogonadotropic hypogonadism (HLD7). Also called: LEUKOENCEPHALOPATHY, HYPOMYELINATING, WITH ATAXIA AND DELAYED DENTITION; ATAXIA, DELAYED DENTITION, AND HYPOMYELINATION; LEUKODYSTROPHY, HYPOMYELINATING, 7, WITH OLIGODONTIA; LEUKODYSTROPHY, HYPOMYELINATING, 7, WITH OLIGODONTIA AND HYPOGONADOTROPIC HYPOGONADISM; LEUKODYSTROPHY, HYPOMYELINATING, 7, WITHOUT OLIGODONTIA OR HYPOGONADOTROPIC HYPOGONADISM; Ataxia, Delayed Dentition and Hypomyelination (ADDH). Identifiers: Orphanet 137639, Orphanet 447893, Orphanet 447896, Orphanet 77295, Orphanet 88637, MedGen CN034185, MONDO:0011897, OMIM 607694.

Allele frequency attached by ClinVar (database versions not stated): gnomAD 0.00355 and 0.00371; TOPMed 0.00380; 1000 Genomes Project 0.00459; 1000 Genomes Project 30x 0.00531.
gnomAD v4.1: 620 of 341,738 alleles (0.18%); highest among the groups gnomAD compares: African/African-American, 1.2%; 3 homozygotes.

Submission:

Illumina Laboratory Services, Illumina
Classification: Benign for Leukodystrophy, hypomyelinating, 7, with or without oligodontia and/or hypogonadotropic hypogonadism. Last evaluated: 2018-01-13. Review status: criteria provided, single submitter. Criteria: ICSL Variant Classification Criteria 13 December 2019. Collection method: clinical testing. Allele origin: germline.
Comment: This variant was observed in the ICSL laboratory as part of a predisposition screen in an ostensibly healthy population. It had not been previously curated by ICSL or reported in the Human Gene Mutation Database (HGMD: prior to June 1st, 2018), and was therefore a candidate for classification through an automated scoring system. Utilizing variant allele frequency, disease prevalence and penetrance estimates, and inheritance mode, an automated score was calculated to assess if this variant is too frequent to cause the disease. Based on the score and internal cut-off values, a variant classified as benign is not then subjected to further curation. The score for this variant resulted in a classification of benign for this disease.